The following is an entry in ClinVar:

NM_000203.5(IDUA):c.413G>A (p.Gly138Asp)

Gene: IDUA (alpha-L-iduronidase; plus strand). Cytogenetic location: 4p16.3.
Variant type: single nucleotide variant.
Coding change: c.413G>A on transcript NM_000203.5 (MANE Select); coding-DNA position 413, G replaced by A.
Protein change: p.Gly138Asp; replaces glycine 138 with aspartic acid.
Molecular consequence: missense variant. On other transcripts: non-coding transcript variant (1).
Genome position (GRCh38, 1-based): chr4:1,000,909, G>A. VCF-style: chr4-1000909-G-A. GRCh37 (hg19) VCF-style: chr4-994697-G-A.
Other names: c.17G>A, p.Gly6Asp (NM_001363576.1); c.413G>A (NM_000203.3); short protein forms G138D, G6D.
Identifiers: ClinVar variation 851101 (VCV000851101.11), dbSNP rs866656054, ClinGen allele CA91166243.
Genomic context (GRCh38, chr4:1,000,909, plus strand): 5'-GGTGGGCGGTGGGGCAGCCCTCCTGTGTTCCAGGGTTTGAGCTGATGGGCAGCGCCTCGG[G>A]CCACTTCACTGACTTTGAGGACAAGCAGCAGGTGTTTGAGTGGAAGGACTTGGTCTCCAG-3'
Protein context (NP_000194.2, residues 128-148): PGFELMGSAS[Gly138Asp]HFTDFEDKQQ

ClinVar aggregate classification (germline): Uncertain significance. Review status: criteria provided, multiple submitters, no conflicts (2 of 4 stars). 3 submissions from 3 submitters: Uncertain significance (2). 1 of the submissions does not count toward it. Last evaluated 2025-08-28.

Conditions:
Mucopolysaccharidosis type 1. Also called: IDUA deficiency; MPS I. Identifiers: Orphanet 579, MedGen C0023786, MONDO:0001586.
Inborn genetic diseases. Identifiers: MedGen C0950123, MeSH D030342.

Allele frequency attached by ClinVar (database versions not stated): gnomAD exomes below 0.00001; TOPMed 0.00004.
gnomAD v4.1: 5 of 1,613,468 alleles (0.00031%); highest among the groups gnomAD compares: Middle Eastern, 0.016%; no homozygotes.

Submissions (3):

Ambry Genetics
Classification: Uncertain significance for Inborn genetic diseases. Last evaluated: 2025-08-28. Review status: criteria provided, single submitter. Criteria: Ambry Variant Classification Scheme 2023. Collection method: clinical testing. Allele origin: germline.

Labcorp Genetics (formerly Invitae), Labcorp
Classification: Uncertain significance for Mucopolysaccharidosis type 1. Last evaluated: 2021-08-28. Review status: criteria provided, single submitter. Criteria: Invitae Variant Classification Sherloc (09022015). Collection method: clinical testing. Allele origin: germline.
Comment: This sequence change replaces glycine with aspartic acid at codon 138 of the IDUA protein (p.Gly138Asp). The glycine residue is moderately conserved and there is a moderate physicochemical difference between glycine and aspartic acid. This variant is not present in population databases (ExAC no frequency). This variant has not been reported in the literature in individuals affected with IDUA-related conditions. Algorithms developed to predict the effect of missense changes on protein structure and function (SIFT, PolyPhen-2, Align-GVGD) all suggest that this variant is likely to be tolerated. In summary, the available evidence is currently insufficient to determine the role of this variant in disease. Therefore, it has been classified as a Variant of Uncertain Significance.

Natera, Inc.
Classification: Uncertain significance for Mucopolysaccharidosis type I. Last evaluated: 2021-10-19. Review status: no assertion criteria provided. Collection method: clinical testing. Allele origin: germline. Not counted in ClinVar's aggregate classification.